The following is an entry in ClinVar:

ClinVar aggregate classification (germline): Benign (1 of 4 stars; one submission).

Conditions:
Cone-rod dystrophy. Also called: Cone/cone-rod dystrophy; Cone-rod degeneration. Identifiers: Orphanet 1872, MedGen C4085590, MONDO:0015993, HP:0000548.

Allele frequency attached by ClinVar (database versions not stated): gnomAD 0.00039 and 0.00059; gnomAD exomes 0.00079; TOPMed 0.00081; 1000 Genomes Project 30x 0.00297; 1000 Genomes Project 0.00300.
gnomAD v4.1: 389 of 537,970 alleles (0.072%); highest among the groups gnomAD compares: East Asian, 1.2%; 3 homozygotes.

Submission:

Illumina Laboratory Services, Illumina
Classification: Benign for Cone-rod dystrophy. Last evaluated: 2018-01-12. Review status: criteria provided, single submitter. Criteria: ICSL Variant Classification Criteria 13 December 2019. Collection method: clinical testing. Allele origin: germline.
Comment: This variant was observed in the ICSL laboratory as part of a predisposition screen in an ostensibly healthy population. It had not been previously curated by ICSL or reported in the Human Gene Mutation Database (HGMD: prior to June 1st, 2018), and was therefore a candidate for classification through an automated scoring system. Utilizing variant allele frequency, disease prevalence and penetrance estimates, and inheritance mode, an automated score was calculated to assess if this variant is too frequent to cause the disease. Based on the score and internal cut-off values, a variant classified as benign is not then subjected to further curation. The score for this variant resulted in a classification of benign for this disease.

NM_005148.4(UNC119):c.*226C>T

Gene: UNC119 (unc-119 lipid binding chaperone; minus strand). Cytogenetic location: 17q11.2.
Variant type: single nucleotide variant.
Coding change: c.*226C>T on transcript NM_005148.4 (MANE Select); 226 bases downstream of the stop codon, C replaced by T.
Molecular consequence: 3 prime UTR variant.
Genome position (GRCh38, 1-based): chr17:28,547,071, G>A on the plus strand (C>T on the coding strand, the complement: UNC119 is on the minus strand). VCF-style: chr17-28547071-G-A. GRCh37 (hg19) VCF-style: chr17-26874089-G-A.
Other names: c.*226C>T (NM_001330166.2); c.*553C>T (NM_054035.2).
Identifiers: ClinVar variation 322455 (VCV000322455.5), dbSNP rs80000715, ClinGen allele CA10648930.